The following is an entry in ClinVar:

NM_015259.6(ICOSLG):c.898+6T>A

Gene: ICOSLG (inducible T cell costimulator ligand; minus strand). Cytogenetic location: 21q22.3.
Variant type: single nucleotide variant.
Coding change: c.898+6T>A on transcript NM_015259.6 (MANE Select); 6 bases into the intron after coding-DNA position 898, T replaced by A.
Molecular consequence: intron variant.
Genome position (GRCh38, 1-based): chr21:44,230,048, A>T on the plus strand (T>A on the coding strand, the complement: ICOSLG is on the minus strand). VCF-style: chr21-44230048-A-T. GRCh37 (hg19) VCF-style: chr21-45649931-A-T.
Other names: c.547+6T>A (NM_001283051.2); c.643+6T>A (NM_001283052.2); c.898+6T>A (NM_001283050.2, NM_001395918.1); c.817+6T>A (NM_001365759.2).
Identifiers: ClinVar variation 3728223 (VCV003728223.2).

ClinVar aggregate classification (germline): Uncertain significance (1 of 4 stars; one submission).

Submission:

Labcorp Genetics (formerly Invitae), Labcorp
Classification: Uncertain significance. Last evaluated: 2025-01-06. Review status: criteria provided, single submitter. Criteria: Invitae Variant Classification Sherloc (09022015). Collection method: clinical testing. Allele origin: germline.
Comment: This sequence change falls in intron 6 of the ICOSLG gene. It does not directly change the encoded amino acid sequence of the ICOSLG protein. It affects a nucleotide within the consensus splice site. This variant is not present in population databases (gnomAD no frequency). This variant has not been reported in the literature in individuals affected with ICOSLG-related conditions. Variants that disrupt the consensus splice site are a relatively common cause of aberrant splicing (PMID: 17576681, 9536098). Algorithms developed to predict the effect of sequence changes on RNA splicing suggest that this variant may disrupt the consensus splice site. In summary, the available evidence is currently insufficient to determine the role of this variant in disease. Therefore, it has been classified as a Variant of Uncertain Significance.

Literature cited by the submitters: PubMed 17576681; PubMed 9536098.